The following is an entry in ClinVar:

ClinVar aggregate classification (germline): Likely benign. Review status: criteria provided, single submitter (1 of 4 stars). 2 submissions from 2 submitters: Likely benign (1). 1 of the submissions does not count toward it. Last evaluated 2025-07-14.

Conditions:
Bethlem myopathy 1A. Also called: MYOPATHY, BENIGN CONGENITAL, WITH CONTRACTURES; Bethlem myopathy 1; Bethlem Muscular Dystrophy. Identifiers: Orphanet 610, MedGen CN029274, MONDO:0024530, OMIM 158810.
COL6A3-related disorder. Also called: COL6A3-related disorders; COL6A3-related condition.

gnomAD v4.1: 11 of 1,614,124 alleles (0.00068%); highest among the groups gnomAD compares: South Asian, 0.0066%; no homozygotes.

Submissions (2):

Labcorp Genetics (formerly Invitae), Labcorp
Classification: Likely benign for Bethlem myopathy 1A. Last evaluated: 2025-07-14. Review status: criteria provided, single submitter. Criteria: Invitae Variant Classification Sherloc (09022015). Collection method: clinical testing. Allele origin: germline.

PreventionGenetics, part of Exact Sciences
Classification: Likely benign for COL6A3-related condition. Last evaluated: 2023-06-29. Review status: no assertion criteria provided. Collection method: clinical testing. Allele origin: germline. Not counted in ClinVar's aggregate classification.
Comment: This variant is classified as likely benign based on ACMG/AMP sequence variant interpretation guidelines (Richards et al. 2015 PMID: 25741868, with internal and published modifications).

NM_004369.4(COL6A3):c.5307G>A (p.Arg1769=)

Gene: COL6A3 (collagen type VI alpha 3 chain; minus strand). Cytogenetic location: 2q37.3.
Variant type: single nucleotide variant.
Coding change: c.5307G>A on transcript NM_004369.4 (MANE Select); coding-DNA position 5307, G replaced by A.
Protein change: p.Arg1769=; no amino-acid change (arginine 1769 retained).
Molecular consequence: synonymous variant.
Genome position (GRCh38, 1-based): chr2:237,366,880, C>T on the plus strand (G>A on the coding strand, the complement: COL6A3 is on the minus strand). VCF-style: chr2-237366880-C-T. GRCh37 (hg19) VCF-style: chr2-238275523-C-T.
Other names: c.3486G>A, p.Arg1162= (NM_057166.5); c.4689G>A, p.Arg1563= (NM_057167.4).
Identifiers: ClinVar variation 3053844 (VCV003053844.3), dbSNP rs755698278, ClinGen allele CA431711076.